The following is an entry in ClinVar:

ClinVar aggregate classification (germline): Conflicting classifications of pathogenicity. Review status: criteria provided, conflicting classifications (1 of 4 stars). 8 submissions from 8 submitters: Uncertain significance (1); Likely benign (5). 2 of the submissions do not count toward it. Last evaluated 2026-08-01.

Conditions:
PYGM-related disorder. Also called: PYGM-related condition.
Glycogen storage disease, type V (GSD5). Also called: McArdle type glycogen storage disease; MCARDLE DISEASE; MUSCLE GLYCOGEN PHOSPHORYLASE DEFICIENCY; MYOPHOSPHORYLASE DEFICIENCY; PYGM DEFICIENCY. Identifiers: Orphanet 368, MedGen C0017924, MONDO:0009293, OMIM 232600.

Allele frequency attached by ClinVar (database versions not stated): 1000 Genomes Project 30x 0.00047; 1000 Genomes Project 0.00060; ExAC 0.00118; gnomAD exomes 0.00136 and 0.00283; TOPMed 0.00176; gnomAD 0.00187 and 0.00189; ESP Exome Variant Server 0.00323.
gnomAD v4.1: 4,495 of 1,613,452 alleles (0.28%); highest among the groups gnomAD compares: Non-Finnish European, 0.35%; 15 homozygotes.

Submissions (8):

CeGaT Center for Human Genetics Tuebingen
Classification: Likely benign. Last evaluated: 2026-08-01. Review status: criteria provided, single submitter. Criteria: CeGaT Center For Human Genetics Tuebingen Variant Classification Criteria Version 2. Collection method: clinical testing. Allele origin: germline. Affected: yes. Observed: 6 variant alleles.
Comment: PYGM: BP4, BP7, BS2

Labcorp Genetics (formerly Invitae), Labcorp
Classification: Likely benign for Glycogen storage disease, type V. Last evaluated: 2026-01-28. Review status: criteria provided, single submitter. Criteria: Invitae Variant Classification Sherloc (09022015). Collection method: clinical testing. Allele origin: germline.

Blueprint Genetics
Classification: Likely benign. Last evaluated: 2024-11-05. Review status: criteria provided, single submitter. Criteria: ACMG Guidelines, 2015. Collection method: clinical testing. Allele origin: germline.

GeneDx
Classification: Likely benign. Last evaluated: 2020-11-16. Review status: criteria provided, single submitter. Criteria: GeneDx Variant Classification Process June 2021. Collection method: clinical testing. Allele origin: germline. Affected: yes.

Illumina Laboratory Services, Illumina
Classification: Uncertain significance for Glycogen storage disease, type V. Last evaluated: 2018-01-13. Review status: criteria provided, single submitter. Criteria: ICSL Variant Classification Criteria 13 December 2019. Collection method: clinical testing. Allele origin: germline.

Eurofins Ntd Llc (ga)
Classification: Likely benign. Last evaluated: 2017-03-14. Review status: criteria provided, single submitter. Criteria: EGL Classification Definitions 2015. Collection method: clinical testing. Allele origin: germline. Observed: 1 variant allele, 1 heterozygote.

PreventionGenetics, part of Exact Sciences
Classification: Likely benign for PYGM-related condition. Last evaluated: 2021-08-09. Review status: no assertion criteria provided. Collection method: clinical testing. Allele origin: germline. Not counted in ClinVar's aggregate classification.
Comment: This variant is classified as likely benign based on ACMG/AMP sequence variant interpretation guidelines (Richards et al. 2015 PMID: 25741868, with internal and published modifications).

Natera, Inc.
Classification: Likely benign for Glycogen storage disease V. Last evaluated: 2020-09-16. Review status: no assertion criteria provided. Collection method: clinical testing. Allele origin: germline. Not counted in ClinVar's aggregate classification.

NM_005609.4(PYGM):c.330C>T (p.Asp110=)

Gene: PYGM (glycogen phosphorylase, muscle associated; minus strand). Cytogenetic location: 11q13.1.
Variant type: single nucleotide variant.
Coding change: c.330C>T on transcript NM_005609.4 (MANE Select); coding-DNA position 330, C replaced by T.
Protein change: p.Asp110=; no amino-acid change (aspartic acid 110 retained).
Molecular consequence: synonymous variant. On other transcripts: intron variant (1).
Genome position (GRCh38, 1-based): chr11:64,758,618, G>A on the plus strand (C>T on the coding strand, the complement: PYGM is on the minus strand). VCF-style: chr11-64758618-G-A. GRCh37 (hg19) VCF-style: chr11-64526090-G-A.
Other names: c.244-352C>T (NM_001164716.1).
Identifiers: ClinVar variation 305283 (VCV000305283.60), dbSNP rs114742918, ClinGen allele CA6080309.